The following is an entry in ClinVar:

ClinVar aggregate classification (germline): Benign (1 of 4 stars; one submission).

Allele frequency attached by ClinVar (database versions not stated): 1000 Genomes Project 0.03894; 1000 Genomes Project 30x 0.04029; gnomAD 0.06319 and 0.06492; TOPMed 0.06356.
gnomAD v4.1: 9,586 of 152,136 alleles (6.3%); highest among the groups gnomAD compares: Middle Eastern, 9.5%; 357 homozygotes.

Submissions (5):

GeneDx
Classification: Benign. Last evaluated: 2018-06-14. Review status: criteria provided, single submitter. Criteria: GeneDx Variant Classification (06012015). Collection method: clinical testing. Allele origin: germline. Affected: yes.
Comment: This variant is considered likely benign or benign based on one or more of the following criteria: it is a conservative change, it occurs at a poorly conserved position in the protein, it is predicted to be benign by multiple in silico algorithms, and/or has population frequency not consistent with disease.

Dr. Peter K. Rogan Lab, Western University
No classification provided (evidence only). Condition: Lung cancer. Review status: no classification provided. Collection method: in vitro. Allele origin: not applicable. Functional consequence: retained intron. Not counted in ClinVar's aggregate classification.

Dr. Peter K. Rogan Lab, Western University
No classification provided (evidence only). Condition: Uterine corpus endometrial carcinoma. Review status: no classification provided. Collection method: in vitro. Allele origin: not applicable. Functional consequence: retained intron. Not counted in ClinVar's aggregate classification.

Dr. Peter K. Rogan Lab, Western University
No classification provided (evidence only). Condition: Sarcoma. Review status: no classification provided. Collection method: in vitro. Allele origin: not applicable. Functional consequence: retained intron. Not counted in ClinVar's aggregate classification.

Dr. Peter K. Rogan Lab, Western University
No classification provided (evidence only). Condition: Ovarian serous cystadenocarcinoma. Review status: no classification provided. Collection method: in vitro. Allele origin: not applicable. Functional consequence: retained intron. Not counted in ClinVar's aggregate classification.

NM_003850.3(SUCLA2):c.802+246G>A

Gene: SUCLA2 (succinate-CoA ligase ADP-forming subunit beta; minus strand). Cytogenetic location: 13q14.2.
Variant type: single nucleotide variant.
Coding change: c.802+246G>A on transcript NM_003850.3 (MANE Select); 246 bases into the intron after coding-DNA position 802, G replaced by A.
Molecular consequence: intron variant.
Genome position (GRCh38, 1-based): chr13:47,968,349, C>T on the plus strand (G>A on the coding strand, the complement: SUCLA2 is on the minus strand). VCF-style: chr13-47968349-C-T. GRCh37 (hg19) VCF-style: chr13-48542484-C-T.
Other names: NC_000013.10:g.48542484C>T.
Identifiers: ClinVar variation 670148 (VCV000670148.2), dbSNP rs78408381, ClinGen allele CA15772048.
Genomic context (GRCh38, chr13:47,968,349, plus strand): 5'-CTTTAATTAATTTTAATAACTACGTGTGGCTGATAGTCACTGTATTGGACAGTACAGTTC[C>T]GACCCCTCTGTGCACGTCTCTATAAGGTGTTTGTTTTATTTTTTGTTTGTTTGTTTAATG-3'